The following is an entry in ClinVar:

ClinVar aggregate classification (germline): Benign (1 of 4 stars; one submission).

Allele frequency attached by ClinVar (database versions not stated): 1000 Genomes Project 30x 0.51733; 1000 Genomes Project 0.52656; TOPMed 0.55778; gnomAD 0.57909 and 0.58452.
gnomAD v4.1: 88,957 of 151,992 alleles (59%); highest among the groups gnomAD compares: Non-Finnish European, 73%; 28,803 homozygotes.

Submission:

GeneDx
Classification: Benign. Last evaluated: 2018-06-14. Review status: criteria provided, single submitter. Criteria: GeneDx Variant Classification (06012015). Collection method: clinical testing. Allele origin: germline. Affected: yes.
Comment: This variant is considered likely benign or benign based on one or more of the following criteria: it is a conservative change, it occurs at a poorly conserved position in the protein, it is predicted to be benign by multiple in silico algorithms, and/or has population frequency not consistent with disease.

NM_000093.5(COL5A1):c.110-178G>A

Gene: COL5A1 (collagen type V alpha 1 chain; plus strand). Cytogenetic location: 9q34.3.
Variant type: single nucleotide variant.
Coding change: c.110-178G>A on transcript NM_000093.5 (MANE Select); 178 bases into the intron before coding-DNA position 110, G replaced by A.
Molecular consequence: intron variant.
Genome position (GRCh38, 1-based): chr9:134,690,734, G>A. VCF-style: chr9-134690734-G-A. GRCh37 (hg19) VCF-style: chr9-137582580-G-A.
Other names: c.110-178G>A (NM_001278074.1).
Identifiers: ClinVar variation 672237 (VCV000672237.1), dbSNP rs16832, ClinGen allele CA12975044.